The following is an entry in ClinVar:

NM_130384.3(ATRIP):c.2078T>C (p.Met693Thr)

Genes: ATRIP (ATR interacting protein; plus strand), ATRIP-TREX1 (ATRIP-TREX1 readthrough; plus strand). Cytogenetic location: 3p21.31.
Variant type: single nucleotide variant.
Coding change: c.2078T>C on transcript NM_130384.3 (MANE Select); coding-DNA position 2078, T replaced by C.
Protein change: p.Met693Thr; replaces methionine 693 with threonine.
Molecular consequence: missense variant. On other transcripts: non-coding transcript variant (1).
Genome position (GRCh38, 1-based): chr3:48,464,853, T>C. VCF-style: chr3-48464853-T-C. GRCh37 (hg19) VCF-style: chr3-48506252-T-C.
Other names: c.1697T>C, p.Met566Thr (NM_001271022.2); c.1799T>C, p.Met600Thr (NM_001271023.2); c.1997T>C, p.Met666Thr (NM_032166.4); short protein forms M566T, M693T, M600T, M666T.
Identifiers: ClinVar variation 3810059 (VCV003810059.1).

ClinVar aggregate classification (germline): Uncertain significance (1 of 4 stars; one submission).

gnomAD v4.1: 5 of 1,612,946 alleles (0.00031%); highest among the groups gnomAD compares: Non-Finnish European, 0.00042%; no homozygotes.

Submission:

Ambry Genetics
Classification: Uncertain significance. Last evaluated: 2025-01-20. Review status: criteria provided, single submitter. Criteria: Ambry Variant Classification Scheme 2023. Collection method: clinical testing. Allele origin: germline.
Comment: The p.M693T variant (also known as c.2078T>C), located in coding exon 12 of the ATRIP gene, results from a T to C substitution at nucleotide position 2078. The methionine at codon 693 is replaced by threonine, an amino acid with similar properties. This amino acid position is conserved. In addition, this alteration is predicted to be tolerated by in silico analysis. Based on the available evidence, the clinical significance of this variant remains unclear.